The following is an entry in ClinVar:

NM_000551.4(VHL):c.340+726C>T

Genes: VHL (von Hippel-Lindau tumor suppressor; plus strand), LOC107303340 (3p25 von Hippel-Lindau tumor suppressor, E3 ubiquitin protein ligase Alu-mediated recombination region; plus strand). Cytogenetic location: 3p25.3.
Variant type: single nucleotide variant.
Coding change: c.340+726C>T on transcript NM_000551.4 (MANE Select); 726 bases into the intron after coding-DNA position 340, C replaced by T.
Molecular consequence: intron variant. On other transcripts: missense variant (1).
Genome position (GRCh38, 1-based): chr3:10,142,913, C>T. VCF-style: chr3-10142913-C-T. GRCh37 (hg19) VCF-style: chr3-10184597-C-T.
Other names: c.491C>T, p.Thr164Ile (NM_001354723.2); c.340+726C>T (NM_198156.3); short protein forms T164I.
Identifiers: ClinVar variation 1024533 (VCV001024533.9), dbSNP rs1575923399, ClinGen allele CA1345067421.

ClinVar aggregate classification (germline): Uncertain significance (1 of 4 stars; one submission).

Conditions:
Von Hippel-Lindau syndrome (VHLS). Also called: Von Hippel-Lindau; von Hippel–Lindau syndrome; VHL syndrome. Identifiers: Orphanet 892, MedGen C0019562, MONDO:0008667, OMIM 193300. Disease mechanism: loss of function.
Chuvash polycythemia. Also called: POLYCYTHEMIA, VHL-DEPENDENT. Identifiers: Orphanet 238557, MedGen C1837915, MONDO:0009892, OMIM 263400.

Allele frequency attached by ClinVar (database versions not stated): TOPMed below 0.00001.

Submission:

Labcorp Genetics (formerly Invitae), Labcorp
Classification: Uncertain significance for Von Hippel-Lindau syndrome; Chuvash polycythemia. Last evaluated: 2024-10-21. Review status: criteria provided, single submitter. Criteria: Invitae Variant Classification Sherloc (09022015). Collection method: clinical testing. Allele origin: germline.
Comment: This sequence change falls in intron 1 of the VHL gene. It is not expected to change the encoded amino acid sequence of the VHL protein. However, this sequence change falls within a cryptic exon in the VHL gene, known as exon E1’, which is naturally expressed at low levels in several human tissues (PMID: 29891534). This variant is not present in population databases (gnomAD no frequency). This variant has not been reported in the literature in individuals affected with VHL-related conditions. ClinVar contains an entry for this variant (Variation ID: 1024533). Algorithms developed to predict the effect of sequence changes on RNA splicing suggest that this variant is not likely to affect RNA splicing. In summary, the available evidence is currently insufficient to determine the role of this variant in disease. Therefore, it has been classified as a Variant of Uncertain Significance.

Literature cited by the submitters: PubMed 29891534.